The following is an entry in ClinVar:

ClinVar aggregate classification (germline): Benign. Review status: criteria provided, multiple submitters, no conflicts (2 of 4 stars). 2 submissions from 2 submitters: Benign (2). Last evaluated 2018-06-14.

Allele frequency attached by ClinVar (database versions not stated): TOPMed 0.17918; gnomAD 0.18301 and 0.18469; 1000 Genomes Project 30x 0.22564; 1000 Genomes Project 0.22744.
gnomAD v4.1: 27,980 of 152,010 alleles (18%); highest among the groups gnomAD compares: East Asian, 29%; 2,727 homozygotes.

Submissions (2):

GeneDx
Classification: Benign. Last evaluated: 2018-06-14. Review status: criteria provided, single submitter. Criteria: GeneDx Variant Classification (06012015). Collection method: clinical testing. Allele origin: germline. Affected: yes.
Comment: This variant is considered likely benign or benign based on one or more of the following criteria: it is a conservative change, it occurs at a poorly conserved position in the protein, it is predicted to be benign by multiple in silico algorithms, and/or has population frequency not consistent with disease.

Breakthrough Genomics
Classification: Benign. Review status: criteria provided, single submitter. Criteria: ACMG Guidelines, 2015. Collection method: not provided. Allele origin: germline. Inheritance: Autosomal recessive inheritance. Affected: yes.

NM_017827.4(SARS2):c.760-184G>A

Gene: SARS2 (seryl-tRNA synthetase 2, mitochondrial; minus strand). Cytogenetic location: 19q13.2.
Variant type: single nucleotide variant.
Coding change: c.760-184G>A on transcript NM_017827.4 (MANE Select); 184 bases into the intron before coding-DNA position 760, G replaced by A.
Molecular consequence: intron variant.
Genome position (GRCh38, 1-based): chr19:38,918,997, C>T on the plus strand (G>A on the coding strand, the complement: SARS2 is on the minus strand). VCF-style: chr19-38918997-C-T. GRCh37 (hg19) VCF-style: chr19-39409637-C-T.
Other names: c.766-184G>A (NM_001145901.2).
Identifiers: ClinVar variation 683698 (VCV000683698.2), dbSNP rs12459197, ClinGen allele CA14660909.